The following is an entry in ClinVar:

NM_000388.4(CASR):c.266C>G (p.Pro89Arg)

Gene: CASR (calcium sensing receptor; plus strand). Cytogenetic location: 3q21.1.
Variant type: single nucleotide variant.
Coding change: c.266C>G on transcript NM_000388.4 (MANE Select); coding-DNA position 266, C replaced by G.
Protein change: p.Pro89Arg; replaces proline 89 with arginine.
Molecular consequence: missense variant.
Genome position (GRCh38, 1-based): chr3:122,257,161, C>G. VCF-style: chr3-122257161-C-G. GRCh37 (hg19) VCF-style: chr3-121976008-C-G.
Other names: c.266C>G, p.Pro89Arg (NM_001178065.2); short protein forms P89R.
Identifiers: ClinVar variation 1900305 (VCV001900305.5), dbSNP rs775628717, ClinGen allele CA2569452.

ClinVar aggregate classification (germline): Uncertain significance (1 of 4 stars; one submission).

Conditions:
Familial hypocalciuric hypercalcemia (FHH). Also called: Familial benign hypercalcemia. Identifiers: Orphanet 405, MedGen C1809471, MONDO:0018458.
Autosomal dominant hypocalcemia 1 (HYPOC1). Also called: HYPOCALCEMIA, FAMILIAL. Identifiers: MedGen C3715128, MONDO:0011013, OMIM 601198.

Allele frequency attached by ClinVar (database versions not stated): gnomAD exomes below 0.00001; ExAC 0.00001; gnomAD 0.00001; TOPMed 0.00002.
gnomAD v4.1: 3 of 1,614,038 alleles (0.00019%); highest among the groups gnomAD compares: African/African-American, 0.004%; no homozygotes.

Submission:

Labcorp Genetics (formerly Invitae), Labcorp
Classification: Uncertain significance for Familial hypocalciuric hypercalcemia; Autosomal dominant hypocalcemia 1. Last evaluated: 2023-05-02. Review status: criteria provided, single submitter. Criteria: Invitae Variant Classification Sherloc (09022015). Collection method: clinical testing. Allele origin: germline.
Comment: In summary, the available evidence is currently insufficient to determine the role of this variant in disease. Therefore, it has been classified as a Variant of Uncertain Significance. An algorithm developed to predict the effect of missense changes on protein structure and function (PolyPhen-2) suggests that this variant is likely to be disruptive. ClinVar contains an entry for this variant (Variation ID: 1900305). This variant has not been reported in the literature in individuals affected with CASR-related conditions. This variant is present in population databases (rs775628717, gnomAD 0.007%). This sequence change replaces proline, which is neutral and non-polar, with arginine, which is basic and polar, at codon 89 of the CASR protein (p.Pro89Arg).